The following is an entry in ClinVar:

NM_000531.6(OTC):c.614T>C (p.Met205Thr)

Gene: OTC (ornithine transcarbamylase; plus strand). Cytogenetic location: Xp11.4.
Variant type: single nucleotide variant.
Coding change: c.614T>C on transcript NM_000531.6 (MANE Select); coding-DNA position 614, T replaced by C.
Protein change: p.Met205Thr; replaces methionine 205 with threonine.
Molecular consequence: missense variant.
Genome position (GRCh38, 1-based): chrX:38,403,691, T>C. VCF-style: chrX-38403691-T-C. GRCh37 (hg19) VCF-style: chrX-38262944-T-C.
Other names: short protein forms M205T.
Identifiers: ClinVar variation 1354801 (VCV001354801.10), dbSNP rs2068501940, ClinGen allele CA412725663.

ClinVar aggregate classification (germline): Pathogenic/Likely pathogenic. Review status: criteria provided, multiple submitters, no conflicts (2 of 4 stars). 3 submissions from 3 submitters: Pathogenic (1); Likely pathogenic (2). Last evaluated 2024-04-27.

Conditions:
OTC-related disorder. Also called: OTC-related condition.
Ornithine carbamoyltransferase deficiency (OTCD). Also called: OTC DEFICIENCY; ORNITHINE TRANSCARBAMYLASE DEFICIENCY; ORNITHINE TRANSCARBAMYLASE DEFICIENCY, HYPERAMMONEMIA DUE TO; Ornithine Carbamoyltransferase Deficiency Disease. Identifiers: Orphanet 664, MedGen C0268542, MONDO:0010703, OMIM 311250.

Submissions (3):

Revvity Omics, Revvity
Classification: Likely pathogenic for Ornithine carbamoyltransferase deficiency. Last evaluated: 2024-04-27. Review status: criteria provided, single submitter. Criteria: ACMG Guidelines, 2015. Collection method: clinical testing. Allele origin: germline.

Blueprint Genetics
Classification: Likely pathogenic for OTC-related disorders. Last evaluated: 2022-07-18. Review status: criteria provided, single submitter. Criteria: ACMG Guidelines, 2015. Collection method: clinical testing. Allele origin: germline. Affected: yes. Observed: 1 variant allele.

Labcorp Genetics (formerly Invitae), Labcorp
Classification: Pathogenic for Ornithine carbamoyltransferase deficiency. Last evaluated: 2022-05-11. Review status: criteria provided, single submitter. Criteria: Invitae Variant Classification Sherloc (09022015). Collection method: clinical testing. Allele origin: germline.
Comment: For these reasons, this variant has been classified as Pathogenic. This variant disrupts the p.Met205 amino acid residue in OTC. Other variant(s) that disrupt this residue have been determined to be pathogenic (Invitae). This suggests that this residue is clinically significant, and that variants that disrupt this residue are likely to be disease-causing. Advanced modeling of protein sequence and biophysical properties (such as structural, functional, and spatial information, amino acid conservation, physicochemical variation, residue mobility, and thermodynamic stability) performed at Invitae indicates that this missense variant is expected to disrupt OTC protein function. This missense change has been observed in individual(s) with OTC deficiency (PMID: 9610619). This variant is not present in population databases (gnomAD no frequency). This sequence change replaces methionine, which is neutral and non-polar, with threonine, which is neutral and polar, at codon 205 of the OTC protein (p.Met205Thr).

Literature cited by the submitters: PubMed 9610619 (cited by Labcorp Genetics (formerly Invitae), Labcorp).